The following is an entry in ClinVar:

ClinVar aggregate classification (germline): Conflicting classifications of pathogenicity. Review status: criteria provided, conflicting classifications (1 of 4 stars). 2 submissions from 2 submitters: Pathogenic (1); Uncertain significance (1). Last evaluated 2022-04-28.

Conditions:
Intellectual disability, autosomal dominant 14 (CSS2). Also called: COFFIN-SIRIS SYNDROME 2. Identifiers: Orphanet 1465, MedGen C3553247, MONDO:0013819, OMIM 614607.

Submissions (2):

Daryl Scott Lab, Baylor College of Medicine
Classification: Pathogenic for Intellectual disability, autosomal dominant 14. Last evaluated: 2022-04-28. Review status: criteria provided, single submitter. Criteria: ACMG Guidelines, 2015. Collection method: clinical testing. Allele origin: germline, unknown. Inheritance: Autosomal dominant inheritance. Affected: yes. Observed: 2 heterozygotes. Clinical features observed: Congenital diaphragmatic hernia (HP:0000776), Global developmental delay (HP:0001263), Specific learning disability (HP:0001328).
Comment: ACMG Variant Call and Criteria: Pathogenic; PVS1, PM2, PP4

Baylor Genetics
Classification: Uncertain significance for Intellectual disability, autosomal dominant 14. Last evaluated: 2021-05-28. Review status: criteria provided, single submitter. Criteria: ACMG Guidelines, 2015. Collection method: clinical testing. Allele origin: unknown.

NM_006015.6(ARID1A):c.98_107del (p.Glu33fs)

Gene: ARID1A (AT-rich interaction domain 1A; plus strand). Cytogenetic location: 1p36.11.
Variant type: Deletion.
Coding change: c.98_107del on transcript NM_006015.6 (MANE Select); coding-DNA positions 98 to 107, 10 bases deleted (AGGAGGCGGG; older notation c.98_107delAGGAGGCGGG).
Protein change: p.Glu33fs; shifts the reading frame from glutamic acid 33.
Molecular consequence: frameshift variant.
Genome position (GRCh38, 1-based): chr1:26,696,501-26,696,510, AGGAGGCGGG deleted; deleting any 10 consecutive bases within chr1:26,696,496-26,696,510 gives the same sequence; the c. name uses the placement nearest the transcript's 3' end. VCF-style (leftmost placement, unchanged base first): chr1-26696495-AGCGGGAGGAG-A. GRCh37 (hg19) VCF-style: chr1-27022986-AGCGGGAGGAG-A.
Other names: c.98_107del, p.Glu33fs (NM_139135.4); short protein forms E33fs.
Identifiers: ClinVar variation 1679117 (VCV001679117.4), dbSNP rs2124740134, ClinGen allele CA2573131895.